The following is an entry in ClinVar:

ClinVar aggregate classification (germline): Uncertain significance (1 of 4 stars; one submission).

Conditions:
Epilepsy, familial focal, with variable foci 3 (FFEVF3). Identifiers: MedGen C4310708, MONDO:0014925, OMIM 617118.

Allele frequency attached by ClinVar (database versions not stated): TOPMed 0.00001; gnomAD 0.00002.
gnomAD v4.1: 12 of 1,599,920 alleles (0.00075%); highest among the groups gnomAD compares: Middle Eastern, 0.017%; no homozygotes.

Submission:

Labcorp Genetics (formerly Invitae), Labcorp
Classification: Uncertain significance for Epilepsy, familial focal, with variable foci 3. Last evaluated: 2023-02-02. Review status: criteria provided, single submitter. Criteria: Invitae Variant Classification Sherloc (09022015). Collection method: clinical testing. Allele origin: germline.
Comment: In summary, the available evidence is currently insufficient to determine the role of this variant in disease. Therefore, it has been classified as a Variant of Uncertain Significance. Advanced modeling of protein sequence and biophysical properties (such as structural, functional, and spatial information, amino acid conservation, physicochemical variation, residue mobility, and thermodynamic stability) performed at Invitae indicates that this missense variant is not expected to disrupt NPRL3 protein function. This variant has not been reported in the literature in individuals affected with NPRL3-related conditions. The frequency data for this variant in the population databases is considered unreliable, as metrics indicate poor data quality at this position in the gnomAD database. This sequence change replaces arginine, which is basic and polar, with glutamine, which is neutral and polar, at codon 424 of the NPRL3 protein (p.Arg424Gln).

NM_001077350.3(NPRL3):c.1271G>A (p.Arg424Gln)

Genes: HBA-LCR (alpha-globin locus control region; plus strand), NPRL3 (NPR3 like, GATOR1 complex subunit; minus strand). Cytogenetic location: 16p13.3.
Variant type: single nucleotide variant.
Coding change: c.1271G>A on transcript NM_001077350.3 (MANE Select); coding-DNA position 1271, G replaced by A.
Protein change: p.Arg424Gln; replaces arginine 424 with glutamine.
Molecular consequence: missense variant.
Genome position (GRCh38, 1-based): chr16:89,793, C>T on the plus strand (G>A on the coding strand, the complement: NPRL3 is on the minus strand). VCF-style: chr16-89793-C-T. GRCh37 (hg19) VCF-style: chr16-139791-C-T.
Other names: c.734G>A, p.Arg245Gln (NM_001039476.3); c.1037G>A, p.Arg346Gln (NM_001243247.2); c.1196G>A, p.Arg399Gln (NM_001243248.2, NM_001243249.2); short protein forms R245Q, R424Q, R346Q, R399Q.
Identifiers: ClinVar variation 2999601 (VCV002999601.3), dbSNP rs774824617, ClinGen allele CA7769392.